The following is an entry in ClinVar:

NM_178452.6(DNAAF1):c.538C>G (p.Leu180Val)

Gene: DNAAF1 (dynein axonemal assembly factor 1; plus strand). Cytogenetic location: 16q24.1.
Variant type: single nucleotide variant.
Coding change: c.538C>G on transcript NM_178452.6 (MANE Select); coding-DNA position 538, C replaced by G.
Protein change: p.Leu180Val; replaces leucine 180 with valine.
Molecular consequence: missense variant.
Genome position (GRCh38, 1-based): chr16:84,154,762, C>G. VCF-style: chr16-84154762-C-G. GRCh37 (hg19) VCF-style: chr16-84188367-C-G.
Other names: short protein forms L180V.
Identifiers: ClinVar variation 2140160 (VCV002140160.1), dbSNP rs746506056, ClinGen allele CA8202519.
Genomic context (GRCh38, chr16:84,154,762, plus strand): 5'-ATGAACTTGCTCCGTAAAATTGAGAACCTGGAACCTCTGCAGAAACTGGATGCTCTTAAC[C>G]TCAGCAACAATTACATCAAGACCATTGAAAACCTCTGTAAGGGTACCCAGCAAGCAGTGT-3'
Protein context (NP_848547.4, residues 170-190): EPLQKLDALN[Leu180Val]SNNYIKTIEN

ClinVar aggregate classification (germline): Uncertain significance (1 of 4 stars; one submission).

Conditions:
Primary ciliary dyskinesia. Also called: Ciliary dyskinesia. Identifiers: Orphanet 244, MedGen C0008780, MONDO:0016575, HP:0012265.

Allele frequency attached by ClinVar (database versions not stated): gnomAD exomes below 0.00001; ExAC 0.00001; TOPMed 0.00002.

Submission:

Labcorp Genetics (formerly Invitae), Labcorp
Classification: Uncertain significance for Primary ciliary dyskinesia. Last evaluated: 2021-12-20. Review status: criteria provided, single submitter. Criteria: Invitae Variant Classification Sherloc (09022015). Collection method: clinical testing. Allele origin: germline.
Comment: This sequence change replaces leucine, which is neutral and non-polar, with valine, which is neutral and non-polar, at codon 180 of the DNAAF1 protein (p.Leu180Val). This variant is present in population databases (rs746506056, gnomAD 0.006%). This variant has not been reported in the literature in individuals affected with DNAAF1-related conditions. Algorithms developed to predict the effect of missense changes on protein structure and function (SIFT, PolyPhen-2, Align-GVGD) all suggest that this variant is likely to be tolerated. Algorithms developed to predict the effect of sequence changes on RNA splicing suggest that this variant may create or strengthen a splice site. In summary, the available evidence is currently insufficient to determine the role of this variant in disease. Therefore, it has been classified as a Variant of Uncertain Significance.